The following is an entry in ClinVar:

NM_173685.4(NSMCE2):c.291A>G (p.Ile97Met)

Gene: NSMCE2 (NSE2 SUMO ligase component of SMC5/6 complex; plus strand). Cytogenetic location: 8q24.13.
Variant type: single nucleotide variant.
Coding change: c.291A>G on transcript NM_173685.4 (MANE Select); coding-DNA position 291, A replaced by G.
Protein change: p.Ile97Met; replaces isoleucine 97 with methionine.
Molecular consequence: missense variant. On other transcripts: non-coding transcript variant (2).
Genome position (GRCh38, 1-based): chr8:125,182,129, A>G. VCF-style: chr8-125182129-A-G. GRCh37 (hg19) VCF-style: chr8-126194371-A-G.
Other names: c.291A>G, p.Ile97Met (NM_001349485.2, NM_001349486.2, NM_001349487.2); c.291A>G (NM_173685.2); short protein forms I97M.
Identifiers: ClinVar variation 1504084 (VCV001504084.4), dbSNP rs199627612, ClinGen allele CA4874368.
Genomic context (GRCh38, chr8:125,182,129, plus strand): 5'-CATTTAACTCAGGTAATTTTGTTGTCTCCCTTAGGTGAAAGAAGAACGTCCAGAAAAAAT[A>G]CCAGATTTAAAATTATTGGTAGAGAAGAAATTTTTGGCTTTACAGAGCAAGAATTCTGAT-3'
Protein context (NP_775956.1, residues 87-107): NHVKEERPEK[Ile97Met]PDLKLLVEKK

ClinVar aggregate classification (germline): Uncertain significance. Review status: criteria provided, multiple submitters, no conflicts (2 of 4 stars). 2 submissions from 2 submitters: Uncertain significance (2). Last evaluated 2025-05-18.

Allele frequency attached by ClinVar (database versions not stated): TOPMed 0.00024; 1000 Genomes Project 30x 0.00047; gnomAD 0.00030; 1000 Genomes Project 0.00040; ESP Exome Variant Server 0.00008.
gnomAD v4.1: 79 of 1,599,356 alleles (0.0049%); highest among the groups gnomAD compares: African/African-American, 0.097%; no homozygotes.

Submissions (2):

Ambry Genetics
Classification: Uncertain significance. Last evaluated: 2025-05-18. Review status: criteria provided, single submitter. Criteria: Ambry Variant Classification Scheme 2023. Collection method: clinical testing. Allele origin: germline.

Labcorp Genetics (formerly Invitae), Labcorp
Classification: Uncertain significance. Last evaluated: 2022-03-03. Review status: criteria provided, single submitter. Criteria: Invitae Variant Classification Sherloc (09022015). Collection method: clinical testing. Allele origin: germline.
Comment: This sequence change replaces isoleucine, which is neutral and non-polar, with methionine, which is neutral and non-polar, at codon 97 of the NSMCE2 protein (p.Ile97Met). This variant is present in population databases (rs199627612, gnomAD 0.1%). This variant has not been reported in the literature in individuals affected with NSMCE2-related conditions. Algorithms developed to predict the effect of missense changes on protein structure and function (SIFT, PolyPhen-2, Align-GVGD) all suggest that this variant is likely to be tolerated. In summary, the available evidence is currently insufficient to determine the role of this variant in disease. Therefore, it has been classified as a Variant of Uncertain Significance.